The following is an entry in ClinVar:

NM_001394998.1(TANC2):c.1647T>G (p.Val549=)

Gene: TANC2 (tetratricopeptide repeat, ankyrin repeat and coiled-coil containing 2; plus strand). Cytogenetic location: 17q23.3.
Variant type: single nucleotide variant.
Coding change: c.1647T>G on transcript NM_001394998.1 (MANE Select); coding-DNA position 1647, T replaced by G.
Protein change: p.Val549=; no amino-acid change (valine 549 retained).
Molecular consequence: synonymous variant.
Genome position (GRCh38, 1-based): chr17:63,340,172, T>G. VCF-style: chr17-63340172-T-G. GRCh37 (hg19) VCF-style: chr17-61417533-T-G.
Other names: c.1425T>G, p.Val475= (NM_001411076.1, NM_025185.4).
Identifiers: ClinVar variation 4874257 (VCV004874257.2).

ClinVar aggregate classification (germline): Likely benign (1 of 4 stars; one submission).

gnomAD v4.1: 40 of 1,613,850 alleles (0.0025%); highest among the groups gnomAD compares: Admixed American, 0.045%; no homozygotes.

Submission:

CeGaT Center for Human Genetics Tuebingen
Classification: Likely benign. Last evaluated: 2026-06-01. Review status: criteria provided, single submitter. Criteria: CeGaT Center For Human Genetics Tuebingen Variant Classification Criteria Version 2. Collection method: clinical testing. Allele origin: germline. Affected: yes. Observed: 1 variant allele.
Comment: TANC2: BP4, BP7